The following is an entry in ClinVar:

NM_003482.4(KMT2D):c.11455_11467del (p.Gly3819fs)

Gene: KMT2D (lysine methyltransferase 2D; minus strand). Cytogenetic location: 12q13.12.
Variant type: Deletion.
Coding change: c.11455_11467del on transcript NM_003482.4 (MANE Select); coding-DNA positions 11455 to 11467, 13 bases deleted (GGCCCCCAGGGCC).
Protein change: p.Gly3819fs; shifts the reading frame from glycine 3819.
Molecular consequence: frameshift variant.
Genome position (GRCh38, 1-based): chr12:49,033,238-49,033,250, GGCCCTGGGGGCC deleted on the plus strand (GGCCCCCAGGGCC on the coding strand, the reverse complement: KMT2D is on the minus strand). VCF-style (leftmost placement, unchanged base first): chr12-49033237-GGGCCCTGGGGGCC-G. GRCh37 (hg19) VCF-style: chr12-49427020-GGGCCCTGGGGGCC-G.
Other names: short protein forms G3819fs.
Identifiers: ClinVar variation 2033052 (VCV002033052.4), dbSNP rs2498363169, ClinGen allele CA2580085583.

ClinVar aggregate classification (germline): Pathogenic (1 of 4 stars; one submission).

Conditions:
Kabuki syndrome. Also called: NIIKAWA-KUROKI SYNDROME; Kabuki make-up syndrome. Identifiers: Orphanet 2322, MedGen C0796004, MONDO:0016512.

Submission:

Labcorp Genetics (formerly Invitae), Labcorp
Classification: Pathogenic for Kabuki syndrome. Last evaluated: 2022-09-27. Review status: criteria provided, single submitter. Criteria: Invitae Variant Classification Sherloc (09022015). Collection method: clinical testing. Allele origin: germline.
Comment: For these reasons, this variant has been classified as Pathogenic. This variant has not been reported in the literature in individuals affected with KMT2D-related conditions. This variant is not present in population databases (gnomAD no frequency). This sequence change creates a premature translational stop signal (p.Gly3819Leufs*7) in the KMT2D gene. It is expected to result in an absent or disrupted protein product. Loss-of-function variants in KMT2D are known to be pathogenic (PMID: 22126750).

Literature cited by the submitters: PubMed 22126750.